The following is an entry in ClinVar:

ClinVar aggregate classification (germline): Uncertain significance (1 of 4 stars; one submission).

Submission:

GeneDx
Classification: Uncertain significance. Last evaluated: 2021-06-30. Review status: criteria provided, single submitter. Criteria: GeneDx Variant Classification Process June 2021. Collection method: clinical testing. Allele origin: germline. Affected: yes.
Comment: Not observed at significant frequency in large population cohorts (Lek et al., 2016); In silico analysis supports that this missense variant has a deleterious effect on protein structure/function; Has not been previously published as pathogenic or benign to our knowledge; This variant is associated with the following publications: (PMID: 27535533)

NM_031407.7(HUWE1):c.12386C>G (p.Thr4129Ser)

Gene: HUWE1 (HECT, UBA and WWE domain containing E3 ubiquitin protein ligase 1; minus strand). Cytogenetic location: Xp11.22.
Variant type: single nucleotide variant.
Coding change: c.12386C>G on transcript NM_031407.7 (MANE Select); coding-DNA position 12386, C replaced by G.
Protein change: p.Thr4129Ser; replaces threonine 4129 with serine.
Molecular consequence: missense variant.
Genome position (GRCh38, 1-based): chrX:53,536,419, G>C on the plus strand (C>G on the coding strand, the complement: HUWE1 is on the minus strand). VCF-style: chrX-53536419-G-C. GRCh37 (hg19) VCF-style: chrX-53563380-G-C.
Other names: short protein forms T4129S.
Identifiers: ClinVar variation 1331240 (VCV001331240.2), dbSNP rs2146878580, ClinGen allele CA413150241.